The following is an entry in ClinVar:

NM_001375808.2(LPIN2):c.1168+4A>G

Gene: LPIN2 (lipin 2; minus strand). Cytogenetic location: 18p11.31.
Variant type: single nucleotide variant.
Coding change: c.1168+4A>G on transcript NM_001375808.2 (MANE Select); 4 bases into the intron after coding-DNA position 1168, A replaced by G.
Molecular consequence: intron variant.
Genome position (GRCh38, 1-based): chr18:2,937,688, T>C on the plus strand (A>G on the coding strand, the complement: LPIN2 is on the minus strand). VCF-style: chr18-2937688-T-C. GRCh37 (hg19) VCF-style: chr18-2937686-T-C.
Other names: c.1168+4A>G (NM_014646.2, NM_001375809.1).
Identifiers: ClinVar variation 652623 (VCV000652623.5), dbSNP rs368340969, ClinGen allele CA8873196.
Genomic context (GRCh38, chr18:2,937,688, plus strand): 5'-GAACACTGAAATAATTTACCATCTAATTTGAGAGTACCTGGAGCCAAATTAAACAAACGA[T>C]TACCTTTCTTCTTTGACGGCGAGTCTACTTTAGCTGCCGGTTTGGATTCTGAGGGCGCCT-3'

ClinVar aggregate classification (germline): Uncertain significance. Review status: criteria provided, multiple submitters, no conflicts (2 of 4 stars). 2 submissions from 2 submitters: Uncertain significance (2). Last evaluated 2026-01-23.

Conditions:
Majeed syndrome (MJDS). Also called: LPIN2-Related Majeed Syndrome; CHRONIC RECURRENT MULTIFOCAL OSTEOMYELITIS 1, WITH CONGENITAL DYSERYTHROPOIETIC ANEMIA, WITH OR WITHOUT NEUTROPHILIC DERMATOSIS. Identifiers: Orphanet 77297, MedGen C1864997, MONDO:0012316, OMIM 609628.

Allele frequency attached by ClinVar (database versions not stated): gnomAD exomes below 0.00001 and 0.00001; ExAC 0.00003; ESP Exome Variant Server 0.00008; gnomAD 0.00009; TOPMed 0.00015; 1000 Genomes Project 30x 0.00016; 1000 Genomes Project 0.00020.
gnomAD v4.1: 24 of 1,613,200 alleles (0.0015%); highest among the groups gnomAD compares: African/African-American, 0.02%; no homozygotes.

Submissions (2):

Women's Health and Genetics/Laboratory Corporation of America, LabCorp
Classification: Uncertain significance. Last evaluated: 2026-01-23. Review status: criteria provided, single submitter. Criteria: LabCorp Variant Classification Summary - May 2015. Collection method: clinical testing. Allele origin: germline.

Labcorp Genetics (formerly Invitae), Labcorp
Classification: Uncertain significance for Majeed syndrome. Last evaluated: 2020-03-11. Review status: criteria provided, single submitter. Criteria: Invitae Variant Classification Sherloc (09022015). Collection method: clinical testing. Allele origin: germline.
Comment: This sequence change falls in intron 7 of the LPIN2 gene. It does not directly change the encoded amino acid sequence of the LPIN2 protein, but it affects a nucleotide within the consensus splice site of the intron. This variant is present in population databases (rs368340969, ExAC 0.03%). This variant has not been reported in the literature in individuals with LPIN2-related disease. Nucleotide substitutions within the consensus splice site are a relatively common cause of aberrant splicing (PMID: 17576681, 9536098). Algorithms developed to predict the effect of sequence changes on RNA splicing suggest that this variant may disrupt the consensus splice site, but this prediction has not been confirmed by published transcriptional studies. In summary, the available evidence is currently insufficient to determine the role of this variant in disease. Therefore, it has been classified as a Variant of Uncertain Significance.

Literature cited by the submitters: PubMed 17576681 (cited by Labcorp Genetics (formerly Invitae), Labcorp); PubMed 9536098 (cited by Labcorp Genetics (formerly Invitae), Labcorp).